The following is an entry in ClinVar:

ClinVar aggregate classification (germline): Uncertain significance (1 of 4 stars; one submission).

gnomAD v4.1: 4 of 1,614,240 alleles (0.00025%); highest among the groups gnomAD compares: Non-Finnish European, 0.00034%; no homozygotes.

Submission:

Ambry Genetics
Classification: Uncertain significance. Last evaluated: 2024-12-31. Review status: criteria provided, single submitter. Criteria: Ambry Variant Classification Scheme 2023. Collection method: clinical testing. Allele origin: germline.
Comment: The p.T1275P variant (also known as c.3823A>C), located in coding exon 30 of the A2ML1 gene, results from an A to C substitution at nucleotide position 3823. The threonine at codon 1275 is replaced by proline, an amino acid with highly similar properties. This amino acid position is conserved. In addition, this alteration is predicted to be tolerated by in silico analysis. Based on the available evidence, the clinical significance of this variant remains unclear.

NM_144670.6(A2ML1):c.3823A>C (p.Thr1275Pro)

Gene: A2ML1 (alpha-2-macroglobulin like 1; plus strand). Cytogenetic location: 12p13.31.
Variant type: single nucleotide variant.
Coding change: c.3823A>C on transcript NM_144670.6 (MANE Select); coding-DNA position 3823, A replaced by C.
Protein change: p.Thr1275Pro; replaces threonine 1275 with proline.
Molecular consequence: missense variant.
Genome position (GRCh38, 1-based): chr12:8,867,947, A>C. VCF-style: chr12-8867947-A-C. GRCh37 (hg19) VCF-style: chr12-9020543-A-C.
Other names: c.2350A>C, p.Thr784Pro (NM_001282424.3); short protein forms T784P, T1275P.
Identifiers: ClinVar variation 3841047 (VCV003841047.1).